The following is an entry in ClinVar:

ClinVar aggregate classification (germline): Uncertain significance (1 of 4 stars; one submission).

Submission:

Labcorp Genetics (formerly Invitae), Labcorp
Classification: Uncertain significance. Last evaluated: 2024-05-17. Review status: criteria provided, single submitter. Criteria: Invitae Variant Classification Sherloc (09022015). Collection method: clinical testing. Allele origin: germline.
Comment: This sequence change replaces serine, which is neutral and polar, with glycine, which is neutral and non-polar, at codon 1559 of the COL4A2 protein (p.Ser1559Gly). This variant is not present in population databases (gnomAD no frequency). This variant has not been reported in the literature in individuals affected with COL4A2-related conditions. Advanced modeling of protein sequence and biophysical properties (such as structural, functional, and spatial information, amino acid conservation, physicochemical variation, residue mobility, and thermodynamic stability) performed at Invitae indicates that this missense variant is not expected to disrupt COL4A2 protein function with a negative predictive value of 95%. In summary, the available evidence is currently insufficient to determine the role of this variant in disease. Therefore, it has been classified as a Variant of Uncertain Significance.

NM_001846.4(COL4A2):c.4675A>G (p.Ser1559Gly)

Genes: COL4A2 (collagen type IV alpha 2 chain; plus strand), COL4A2-AS1 (COL4A2 antisense RNA 1; minus strand). Cytogenetic location: 13q34.
Variant type: single nucleotide variant.
Coding change: c.4675A>G on transcript NM_001846.4 (MANE Select); coding-DNA position 4675, A replaced by G.
Protein change: p.Ser1559Gly; replaces serine 1559 with glycine.
Molecular consequence: missense variant.
Genome position (GRCh38, 1-based): chr13:110,508,015, A>G. VCF-style: chr13-110508015-A-G. GRCh37 (hg19) VCF-style: chr13-111160362-A-G.
Other names: short protein forms S1559G.
Identifiers: ClinVar variation 3652940 (VCV003652940.2).
Genomic context (GRCh38, chr13:110,508,015, plus strand): 5'-GCGCGGTTCAGCACCATGCCCTTCCTGTACTGCAACCCTGGTGATGTCTGCTACTATGCC[A>G]GCCGGAACGACAAGTCCTACTGGCTCTCTACCACTGCGCCGCTGCCCATGATGCCCGTGG-3'
Protein context (NP_001837.2, residues 1549-1569): CNPGDVCYYA[Ser1559Gly]RNDKSYWLST